The following is an entry in ClinVar:

NM_001267550.2(TTN):c.106792C>G (p.Gln35598Glu)

Genes: TTN-AS1 (TTN antisense RNA 1; plus strand), TTN (titin; minus strand). Cytogenetic location: 2q31.2.
Variant type: single nucleotide variant.
Coding change: c.106792C>G on transcript NM_001267550.2 (MANE Select); coding-DNA position 106792, C replaced by G.
Protein change: p.Gln35598Glu; replaces glutamine 35598 with glutamic acid.
Molecular consequence: missense variant.
Genome position (GRCh38, 1-based): chr2:178,528,959, G>C on the plus strand (C>G on the coding strand, the complement: TTN is on the minus strand). VCF-style: chr2-178528959-G-C. GRCh37 (hg19) VCF-style: chr2-179393686-G-C.
Other names: c.101869C>G, p.Gln33957Glu (NM_001256850.1); c.79597C>G, p.Gln26533Glu (NM_003319.4); c.99088C>G, p.Gln33030Glu (NM_133378.4); c.79972C>G, p.Gln26658Glu (NM_133432.3); c.80173C>G, p.Gln26725Glu (NM_133437.4); short protein forms Q26533E, Q26658E, Q26725E, Q33030E, Q33957E, Q35598E.
Identifiers: ClinVar variation 1061857 (VCV001061857.9), dbSNP rs767339203, ClinGen allele CA1985044.

ClinVar aggregate classification (germline): Uncertain significance. Review status: criteria provided, single submitter (1 of 4 stars). 2 submissions from 2 submitters: Uncertain significance (1). 1 of the submissions does not count toward it. Last evaluated 2024-02-24.

Conditions:
TTN-related disorder. Also called: TTN-related condition; TTN-related disease; TTN-related disorders.
Autosomal recessive limb-girdle muscular dystrophy type 2J (LGMDR10). Also called: MUSCULAR DYSTROPHY, LIMB-GIRDLE, AUTOSOMAL RECESSIVE 10; Limb-girdle muscular dystrophy, type 2J. Identifiers: Orphanet 140922, MedGen C1837342, MONDO:0012127, OMIM 608807.
Dilated cardiomyopathy 1G (CMD1G). Identifiers: Orphanet 154, MedGen C1858763, MONDO:0011400, OMIM 604145.

gnomAD v4.1: 15 of 1,614,006 alleles (0.00093%); highest among the groups gnomAD compares: Middle Eastern, 0.016%; no homozygotes.

Submissions (2):

Labcorp Genetics (formerly Invitae), Labcorp
Classification: Uncertain significance for Dilated cardiomyopathy 1G; Autosomal recessive limb-girdle muscular dystrophy type 2J. Last evaluated: 2024-02-24. Review status: criteria provided, single submitter. Criteria: Invitae Variant Classification Sherloc (09022015). Collection method: clinical testing. Allele origin: germline.
Comment: This sequence change replaces glutamine, which is neutral and polar, with glutamic acid, which is acidic and polar, at codon 35598 of the TTN protein (p.Gln35598Glu). This variant is present in population databases (rs767339203, gnomAD 0.02%). This variant has not been reported in the literature in individuals affected with TTN-related conditions. ClinVar contains an entry for this variant (Variation ID: 1061857). Experimental studies and prediction algorithms are not available or were not evaluated, and the functional significance of this variant is currently unknown. This variant is located in the M band of TTN (PMID: 25589632). Non-truncating variants in this region may be relevant for neuromuscular disorders, but have not been definitively shown to cause cardiomyopathy (PMID: 23975875). In summary, the available evidence is currently insufficient to determine the role of this variant in disease. Therefore, it has been classified as a Variant of Uncertain Significance.

PreventionGenetics, part of Exact Sciences
Classification: Uncertain significance for TTN-related condition. Last evaluated: 2024-02-14. Review status: no assertion criteria provided. Collection method: clinical testing. Allele origin: germline. Not counted in ClinVar's aggregate classification.
Comment: The TTN c.106792C>G variant is predicted to result in the amino acid substitution p.Gln35598Glu. To our knowledge, this variant has not been reported in the literature. This variant is reported in 0.023% of alleles in individuals of South Asian descent in gnomAD. At this time, the clinical significance of this variant is uncertain due to the absence of conclusive functional and genetic evidence.

Literature cited by the submitters: PubMed 25589632 (cited by Labcorp Genetics (formerly Invitae), Labcorp); PubMed 23975875 (cited by Labcorp Genetics (formerly Invitae), Labcorp).